The following is an entry in ClinVar:

NM_020937.4(FANCM):c.3059T>C (p.Leu1020Ser)

Gene: FANCM (FA complementation group M; plus strand). Cytogenetic location: 14q21.2.
Variant type: single nucleotide variant.
Coding change: c.3059T>C on transcript NM_020937.4 (MANE Select); coding-DNA position 3059, T replaced by C.
Protein change: p.Leu1020Ser; replaces leucine 1020 with serine.
Molecular consequence: missense variant.
Genome position (GRCh38, 1-based): chr14:45,175,813, T>C. VCF-style: chr14-45175813-T-C. GRCh37 (hg19) VCF-style: chr14-45645016-T-C.
Other names: c.2981T>C, p.Leu994Ser (NM_001308133.2); short protein forms L1020S, L994S.
Identifiers: ClinVar variation 4871143 (VCV004871143.1).

ClinVar aggregate classification (germline): Uncertain significance (1 of 4 stars; one submission).

Conditions:
Inborn genetic diseases. Identifiers: MedGen C0950123, MeSH D030342.

Submission:

Ambry Genetics
Classification: Uncertain significance for Inborn genetic diseases. Last evaluated: 2026-05-15. Review status: criteria provided, single submitter. Criteria: Ambry Variant Classification Scheme 2023. Collection method: clinical testing. Allele origin: germline.
Comment: The p.L1020S variant (also known as c.3059T>C), located in coding exon 14 of the FANCM gene, results from a T to C substitution at nucleotide position 3059. The leucine at codon 1020 is replaced by serine, an amino acid with dissimilar properties. This amino acid position is conserved. In addition, this alteration is predicted to be tolerated by in silico analysis. Based on the available evidence, the clinical significance of this variant remains unclear.